The following is an entry in ClinVar:

NM_022089.4(ATP13A2):c.1354-9_1358del

Gene: ATP13A2 (ATPase cation transporting 13A2; minus strand). Cytogenetic location: 1p36.13.
Variant type: Deletion.
Coding change: c.1354-9_1358del on transcript NM_022089.4 (MANE Select); 9 bases into the intron before coding-DNA position 1354 through coding-DNA position 1358, 14 bases deleted (CCCTGCCAGGTGCC).
Molecular consequence: splice acceptor variant.
Genome position (GRCh38, 1-based): chr1:16,996,160-16,996,173, GGCACCTGGCAGGG deleted on the plus strand (CCCTGCCAGGTGCC on the coding strand, the reverse complement: ATP13A2 is on the minus strand); deleting any 14 consecutive bases within chr1:16,996,160-16,996,179 gives the same sequence; the c. name uses the placement nearest the transcript's 3' end. VCF-style (leftmost placement, unchanged base first): chr1-16996159-AGGCACCTGGCAGGG-A. GRCh37 (hg19) VCF-style: chr1-17322654-AGGCACCTGGCAGGG-A.
Other names: c.1339-9_1343del (NM_001141974.3, NM_001141973.3).
Identifiers: ClinVar variation 4785670 (VCV004785670.1).

ClinVar aggregate classification (germline): Likely pathogenic (1 of 4 stars; one submission).

Conditions:
Autosomal recessive spastic paraplegia type 78. Identifiers: Orphanet 513436, MedGen C5567893, MONDO:0014975, OMIM 617225.
Kufor-Rakeb syndrome (KRS). Also called: PARKINSON DISEASE 9, AUTOSOMAL RECESSIVE, JUVENILE-ONSET. Identifiers: Orphanet 306674, Orphanet 314632, MedGen C1847640, MONDO:0011706, OMIM 606693.

Submission:

Labcorp Genetics (formerly Invitae), Labcorp
Classification: Likely pathogenic for Kufor-Rakeb syndrome; Autosomal recessive spastic paraplegia type 78. Last evaluated: 2025-07-23. Review status: criteria provided, single submitter. Criteria: Invitae Variant Classification Sherloc (09022015). Collection method: clinical testing. Allele origin: germline.
Comment: This variant results in the deletion of part of exon 15 (c.1354-9_1358del) of the ATP13A2 gene. It is expected to disrupt RNA splicing. Variants that disrupt the donor or acceptor splice site typically lead to a loss of protein function (PMID: 16199547), and loss-of-function variants in ATP13A2 are known to be pathogenic (PMID: 16964263, 21696388). This variant is not present in population databases (gnomAD no frequency). This variant has not been reported in the literature in individuals affected with ATP13A2-related conditions. In summary, the currently available evidence indicates that the variant is pathogenic, but additional data are needed to prove that conclusively. Therefore, this variant has been classified as Likely Pathogenic.

Literature cited by the submitters: PubMed 16199547; PubMed 16964263; PubMed 21696388.